The following is an entry in ClinVar:

ClinVar aggregate classification (germline): Uncertain significance (1 of 4 stars; one submission).

Conditions:
ALAD-related disorder. Also called: ALAD-related condition.

gnomAD v4.1: 21 of 1,613,846 alleles (0.0013%); highest among the groups gnomAD compares: African/African-American, 0.0053%; no homozygotes.

Submission:

PreventionGenetics, part of Exact Sciences
Classification: Uncertain significance for ALAD-related condition. Last evaluated: 2025-12-08. Review status: criteria provided, single submitter. Criteria: ACMG Guidelines, 2015. Collection method: clinical testing. Allele origin: germline.
Comment: The ALAD c.922C>T variant is predicted to result in the amino acid substitution p.Arg308Cys. To our knowledge, this variant has not been reported in the literature. This variant is reported in 0.011% of alleles in individuals of East Asian descent in gnomAD. At this time, the clinical significance of this variant is uncertain due to the absence of conclusive functional and genetic evidence.

NM_000031.6(ALAD):c.922C>T (p.Arg308Cys)

Gene: ALAD (aminolevulinate dehydratase; minus strand). Cytogenetic location: 9q32.
Variant type: single nucleotide variant.
Coding change: c.922C>T on transcript NM_000031.6 (MANE Select); coding-DNA position 922, C replaced by T.
Protein change: p.Arg308Cys; replaces arginine 308 with cysteine.
Molecular consequence: missense variant.
Genome position (GRCh38, 1-based): chr9:113,388,986, G>A on the plus strand (C>T on the coding strand, the complement: ALAD is on the minus strand). VCF-style: chr9-113388986-G-A. GRCh37 (hg19) VCF-style: chr9-116151266-G-A.
Other names: c.1009C>T, p.Arg337Cys (NM_001003945.3); c.898C>T, p.Arg300Cys (NM_001317745.2); short protein forms R308C, R300C, R337C.
Identifiers: ClinVar variation 4977031 (VCV004977031.1).